The following is an entry in ClinVar:

ClinVar aggregate classification (germline): Uncertain significance (1 of 4 stars; one submission).

Submission:

CeGaT Center for Human Genetics Tuebingen
Classification: Uncertain significance. Last evaluated: 2025-11-01. Review status: criteria provided, single submitter. Criteria: CeGaT Center For Human Genetics Tuebingen Variant Classification Criteria Version 2. Collection method: clinical testing. Allele origin: germline. Affected: yes. Observed: 1 variant allele.
Comment: SLC1A2: PM2, PP3

NM_004171.4(SLC1A2):c.1378C>A (p.Pro460Thr)

Gene: SLC1A2 (solute carrier family 1 member 2; minus strand). Cytogenetic location: 11p13.
Variant type: single nucleotide variant.
Coding change: c.1378C>A on transcript NM_004171.4 (MANE Select); coding-DNA position 1378, C replaced by A.
Protein change: p.Pro460Thr; replaces proline 460 with threonine.
Molecular consequence: missense variant.
Genome position (GRCh38, 1-based): chr11:35,280,910, G>T on the plus strand (C>A on the coding strand, the complement: SLC1A2 is on the minus strand). VCF-style: chr11-35280910-G-T. GRCh37 (hg19) VCF-style: chr11-35302457-G-T.
Other names: c.1351C>A, p.Pro451Thr (NM_001195728.3, NM_001252652.2, NM_001439341.1); c.1366C>A, p.Pro456Thr (NM_001439342.1); c.1144C>A, p.Pro382Thr (NM_001439343.1); short protein forms P382T, P451T, P456T, P460T.
Identifiers: ClinVar variation 4535112 (VCV004535112.6).